The following is an entry in ClinVar:

ClinVar aggregate classification (germline): Pathogenic. Review status: criteria provided, single submitter (1 of 4 stars). 2 submissions from 2 submitters: Pathogenic (1). 1 of the submissions does not count toward it. Last evaluated 2023-04-28.

Conditions:
Neurofibromatosis, type 1 (NF1). Also called: NEUROFIBROMATOSIS, TYPE I, SOMATIC; Peripheral type neurofibromatosis; Neurofibromatosis, type I; VON RECKLINGHAUSEN DISEASE. Identifiers: Orphanet 636, MedGen C0027831, MONDO:0018975, OMIM 162200. Disease mechanism: loss of function.

Submissions (2):

Labcorp Genetics (formerly Invitae), Labcorp
Classification: Pathogenic for Neurofibromatosis, type 1. Last evaluated: 2023-04-28. Review status: criteria provided, single submitter. Criteria: Invitae Variant Classification Sherloc (09022015). Collection method: clinical testing. Allele origin: germline.
Comment: For these reasons, this variant has been classified as Pathogenic. ClinVar contains an entry for this variant (Variation ID: 522466). This variant has not been reported in the literature in individuals affected with NF1-related conditions. This variant is not present in population databases (gnomAD no frequency). This sequence change creates a premature translational stop signal (p.Gly2481Aspfs*21) in the NF1 gene. It is expected to result in an absent or disrupted protein product. Loss-of-function variants in NF1 are known to be pathogenic (PMID: 10712197, 23913538).

Bioscientia Institut fuer Medizinische Diagnostik GmbH, Sonic Healthcare
Classification: Pathogenic for Neurofibromatosis, type 1. Last evaluated: 2017-09-18. Review status: no assertion criteria provided. Collection method: clinical testing. Allele origin: germline. Affected: yes. Not counted in ClinVar's aggregate classification.

Literature cited by the submitters: PubMed 10712197 (cited by Labcorp Genetics (formerly Invitae), Labcorp); PubMed 23913538 (cited by Labcorp Genetics (formerly Invitae), Labcorp).

NM_001042492.3(NF1):c.7505del (p.Gly2502fs)

Gene: NF1 (neurofibromin 1; plus strand). Cytogenetic location: 17q11.2.
Variant type: Deletion.
Coding change: c.7505del on transcript NM_001042492.3 (MANE Select); coding-DNA position 7505, one base deleted (G; older notation c.7505delG).
Protein change: p.Gly2502fs; shifts the reading frame from glycine 2502.
Molecular consequence: frameshift variant.
Genome position (GRCh38, 1-based): chr17:31,352,304, G deleted; the last of 2 consecutive G bases (chr17:31,352,303-31,352,304); deleting either gives the same sequence. VCF-style (leftmost placement, unchanged base first): chr17-31352302-AG-A. GRCh37 (hg19) VCF-style: chr17-29679320-AG-A.
Other names: c.7442delG (NM_000267.3); c.7442delG, p.Gly2481Aspfs (NM_000267.4); short protein forms G2502fs, G2481fs.
Identifiers: ClinVar variation 522466 (VCV000522466.5), dbSNP rs1555536358, ClinGen allele CA658798787.
Genomic context (GRCh38, chr17:31,352,302, plus strand): 5'-GTTTTCATCTTTCAGGACACTAAAGGAGACTCAGCCATGGTCCTCTCCCAAAGGTTCTGA[AG>A]GATACCTTGCAGCCACCTATCCAACTGTCGGCCAGACCAGTCCCCGAGCCAGGAAATCCA-3'